The following is an entry in ClinVar:

ClinVar aggregate classification (germline): Likely benign (0 of 4 stars; one submission).

Conditions:
TEX11-related disorder. Also called: TEX11-related condition.

Allele frequency attached by ClinVar (database versions not stated): gnomAD 0.00002; gnomAD exomes 0.00003; ExAC 0.00014; 1000 Genomes Project 30x 0.00021.
gnomAD v4.1: 32 of 1,045,875 alleles (0.0031%); highest among the groups gnomAD compares: South Asian, 0.097%; no homozygotes.

Submission:

PreventionGenetics, part of Exact Sciences
Classification: Likely benign for TEX11-related condition. Last evaluated: 2023-05-20. Review status: no assertion criteria provided. Collection method: clinical testing. Allele origin: germline.
Comment: This variant is classified as likely benign based on ACMG/AMP sequence variant interpretation guidelines (Richards et al. 2015 PMID: 25741868, with internal and published modifications).

NM_031276.3(TEX11):c.736C>T (p.Pro246Ser)

Gene: TEX11 (testis expressed 11; minus strand). Cytogenetic location: Xq13.1.
Variant type: single nucleotide variant.
Coding change: c.736C>T on transcript NM_031276.3 (MANE Select); coding-DNA position 736, C replaced by T.
Protein change: p.Pro246Ser; replaces proline 246 with serine.
Molecular consequence: missense variant.
Genome position (GRCh38, 1-based): chrX:70,744,176, G>A on the plus strand (C>T on the coding strand, the complement: TEX11 is on the minus strand). VCF-style: chrX-70744176-G-A. GRCh37 (hg19) VCF-style: chrX-69964026-G-A.
Other names: c.781C>T, p.Pro261Ser (NM_001003811.2); short protein forms P246S, P261S.
Identifiers: ClinVar variation 3054251 (VCV003054251.2), dbSNP rs775098071, ClinGen allele CA10442826.